The following is an entry in ClinVar:

NM_024120.5(NDUFAF5):c.779-209T>C

Gene: NDUFAF5 (NADH:ubiquinone oxidoreductase complex assembly factor 5; plus strand). Cytogenetic location: 20p12.1.
Variant type: single nucleotide variant.
Coding change: c.779-209T>C on transcript NM_024120.5 (MANE Select); 209 bases into the intron before coding-DNA position 779, T replaced by C.
Molecular consequence: intron variant.
Genome position (GRCh38, 1-based): chr20:13,816,254, T>C. VCF-style: chr20-13816254-T-C. GRCh37 (hg19) VCF-style: chr20-13796900-T-C.
Other names: c.218-209T>C (NM_001352407.2, NM_001352406.2); c.695-209T>C (NM_001039375.3); c.308-209T>C (NM_001352403.2).
Identifiers: ClinVar variation 669698 (VCV000669698.2), dbSNP rs2273320, ClinGen allele CA14750658.
Genomic context (GRCh38, chr20:13,816,254, plus strand): 5'-TTAGACCATTGCTGGCAAGTAAAGCATTGTGGAGCTGCCTCCTGAAATTTCACTTGCCTG[T>C]CTTAATGTTGAAAAAGTTTCAAGTAGTTTCGCTTTAGAGTCACTAAGAAACCCAGTTATA-3'

ClinVar aggregate classification (germline): Benign. Review status: criteria provided, multiple submitters, no conflicts (2 of 4 stars). 2 submissions from 2 submitters: Benign (2). Last evaluated 2018-06-14.

Allele frequency attached by ClinVar (database versions not stated): gnomAD exomes 0.14874; gnomAD 0.16509 and 0.17150; TOPMed 0.17380; 1000 Genomes Project 30x 0.26218; 1000 Genomes Project 0.26498.
gnomAD v4.1: 94,318 of 612,982 alleles (15%); highest among the groups gnomAD compares: East Asian, 42%; 10,005 homozygotes.

Submissions (2):

GeneDx
Classification: Benign. Last evaluated: 2018-06-14. Review status: criteria provided, single submitter. Criteria: GeneDx Variant Classification (06012015). Collection method: clinical testing. Allele origin: germline. Affected: yes.
Comment: This variant is considered likely benign or benign based on one or more of the following criteria: it is a conservative change, it occurs at a poorly conserved position in the protein, it is predicted to be benign by multiple in silico algorithms, and/or has population frequency not consistent with disease.

Breakthrough Genomics
Classification: Benign. Review status: criteria provided, single submitter. Criteria: ACMG Guidelines, 2015. Collection method: not provided. Allele origin: germline. Inheritance: Autosomal recessive inheritance. Affected: yes.